The following is an entry in ClinVar:

NM_006343.3(MERTK):c.275C>T (p.Pro92Leu)

Gene: MERTK (MER proto-oncogene, tyrosine kinase; plus strand). Cytogenetic location: 2q13.
Variant type: single nucleotide variant.
Coding change: c.275C>T on transcript NM_006343.3 (MANE Select); coding-DNA position 275, C replaced by T.
Protein change: p.Pro92Leu; replaces proline 92 with leucine.
Molecular consequence: missense variant.
Genome position (GRCh38, 1-based): chr2:111,929,333, C>T. VCF-style: chr2-111929333-C-T. GRCh37 (hg19) VCF-style: chr2-112686910-C-T.
Other names: c.275C>T (NM_006343.2); short protein forms P92L.
Identifiers: ClinVar variation 195264 (VCV000195264.10), dbSNP rs200985967, ClinGen allele CA241612.
Genomic context (GRCh38, chr2:111,929,333, plus strand): 5'-GACCACATACAGGAAACGTAGCCATTCCCCAGGTGACCTCTGTCGAATCAAAGCCCCTAC[C>T]GCCTCTTGCCTTCAAACACACAGTTGGACACATAATACTTTCTGAACATAAAGGTGTCAA-3'
Protein context (NP_006334.2, residues 82-102): QVTSVESKPL[Pro92Leu]PLAFKHTVGH

ClinVar aggregate classification (germline): Uncertain significance. Review status: criteria provided, multiple submitters, no conflicts (2 of 4 stars). 5 submissions from 5 submitters: Uncertain significance (5). Last evaluated 2025-10-31.

Conditions:
MERTK-related disorder. Also called: MERTK-related condition.
Inborn genetic diseases. Identifiers: MedGen C0950123, MeSH D030342.

Allele frequency attached by ClinVar (database versions not stated): gnomAD exomes 0.00007; ESP Exome Variant Server 0.00008; TOPMed 0.00010; 1000 Genomes Project 30x 0.00031; 1000 Genomes Project 0.00040; ExAC 0.00006.
gnomAD v4.1: 113 of 1,614,180 alleles (0.007%); highest among the groups gnomAD compares: South Asian, 0.041%; no homozygotes.

Submissions (5):

PreventionGenetics, part of Exact Sciences
Classification: Uncertain significance for MERTK-related condition. Last evaluated: 2025-10-31. Review status: criteria provided, single submitter. Criteria: ACMG Guidelines, 2015. Collection method: clinical testing. Allele origin: germline.
Comment: The MERTK c.275C>T variant is predicted to result in the amino acid substitution p.Pro92Leu. To our knowledge, this variant has not been reported in the literature. This variant is present in 0.052% of alleles in individuals of South Asian descent in gnomAD, which may be too common to be an unreported cause of disease. Although we suspect that this variant may be benign, at this time, the clinical significance of this variant is uncertain due to the absence of conclusive functional and genetic evidence.

Blueprint Genetics
Classification: Uncertain significance. Last evaluated: 2024-07-02. Review status: criteria provided, single submitter. Criteria: ACMG Guidelines, 2015. Collection method: clinical testing. Allele origin: germline.

Ambry Genetics
Classification: Uncertain significance for Inborn genetic diseases. Last evaluated: 2023-11-07. Review status: criteria provided, single submitter. Criteria: Ambry Variant Classification Scheme 2023. Collection method: clinical testing. Allele origin: germline.

Labcorp Genetics (formerly Invitae), Labcorp
Classification: Uncertain significance. Last evaluated: 2022-07-06. Review status: criteria provided, single submitter. Criteria: Invitae Variant Classification Sherloc (09022015). Collection method: clinical testing. Allele origin: germline.
Comment: This sequence change replaces proline, which is neutral and non-polar, with leucine, which is neutral and non-polar, at codon 92 of the MERTK protein (p.Pro92Leu). This variant is present in population databases (rs200985967, gnomAD 0.04%). This variant has not been reported in the literature in individuals affected with MERTK-related conditions. ClinVar contains an entry for this variant (Variation ID: 195264). Algorithms developed to predict the effect of missense changes on protein structure and function output the following: SIFT: "Deleterious"; PolyPhen-2: "Benign"; Align-GVGD: "Class C15". The leucine amino acid residue is found in multiple mammalian species, which suggests that this missense change does not adversely affect protein function. In summary, the available evidence is currently insufficient to determine the role of this variant in disease. Therefore, it has been classified as a Variant of Uncertain Significance.

Eurofins Ntd Llc (ga)
Classification: Uncertain significance. Last evaluated: 2014-09-03. Review status: criteria provided, single submitter. Criteria: EGL Classification Definitions 2015. Collection method: clinical testing. Allele origin: germline. Observed: 1 variant allele, 1 heterozygote.